The following is an entry in ClinVar:

NM_145207.3(AFG2A):c.1700del (p.Leu567fs)

Gene: AFG2A (AAA ATPase AFG2A; plus strand). Cytogenetic location: 4q28.1.
Variant type: Deletion.
Coding change: c.1700del on transcript NM_145207.3 (MANE Select); coding-DNA position 1700, one base deleted (T; older notation c.1700delT).
Protein change: p.Leu567fs; shifts the reading frame from leucine 567.
Molecular consequence: frameshift variant.
Genome position (GRCh38, 1-based): chr4:122,947,474, T deleted; the last of 2 consecutive T bases (chr4:122,947,473-122,947,474); deleting either gives the same sequence. VCF-style (leftmost placement, unchanged base first): chr4-122947472-CT-C. GRCh37 (hg19) VCF-style: chr4-123868627-CT-C.
Other names: c.1697del, p.Leu566fs (NM_001345856.2, NM_001317799.2); short protein forms L566fs, L567fs.
Identifiers: ClinVar variation 3750428 (VCV003750428.2).

ClinVar aggregate classification (germline): Pathogenic (1 of 4 stars; one submission).

Conditions:
Microcephaly-intellectual disability-sensorineural hearing loss-epilepsy-abnormal muscle tone syndrome (NEDHSB). Also called: NEURODEVELOPMENTAL DISORDER WITH HEARING LOSS, SEIZURES, AND BRAIN ABNORMALITIES. Identifiers: Orphanet 457351, MedGen C4225276, MONDO:0014698, OMIM 616577.

Submission:

Labcorp Genetics (formerly Invitae), Labcorp
Classification: Pathogenic for Microcephaly-intellectual disability-sensorineural hearing loss-epilepsy-abnormal muscle tone syndrome. Last evaluated: 2025-12-13. Review status: criteria provided, single submitter. Criteria: Invitae Variant Classification Sherloc (09022015). Collection method: clinical testing. Allele origin: germline.
Comment: This sequence change creates a premature translational stop signal (p.Leu567Cysfs*14) in the SPATA5 gene. It is expected to result in an absent or disrupted protein product. Loss-of-function variants in SPATA5 are known to be pathogenic (PMID: 26299366). This variant is not present in population databases (gnomAD no frequency). This variant has not been reported in the literature in individuals affected with SPATA5-related conditions. ClinVar contains an entry for this variant (Variation ID: 3750428). For these reasons, this variant has been classified as Pathogenic.

Literature cited by the submitters: PubMed 26299366.